The following is an entry in ClinVar:

NM_001353694.2(TIAM1):c.488C>T (p.Ala163Val)

Gene: TIAM1 (TIAM Rac1 associated GEF 1; minus strand). Cytogenetic location: 21q22.11.
Variant type: single nucleotide variant.
Coding change: c.488C>T on transcript NM_001353694.2 (MANE Select); coding-DNA position 488, C replaced by T.
Protein change: p.Ala163Val; replaces alanine 163 with valine.
Molecular consequence: missense variant.
Genome position (GRCh38, 1-based): chr21:31,266,485, G>A on the plus strand (C>T on the coding strand, the complement: TIAM1 is on the minus strand). VCF-style: chr21-31266485-G-A. GRCh37 (hg19) VCF-style: chr21-32638801-G-A.
Other names: c.488C>T, p.Ala163Val (NM_001353689.1, NM_001353690.1, NM_001353691.1 and 6 more transcripts); short protein forms A163V.
Identifiers: ClinVar variation 2590382 (VCV002590382.4), dbSNP rs146951286, ClinGen allele CA9998658.

ClinVar aggregate classification (germline): Uncertain significance. Review status: criteria provided, single submitter (1 of 4 stars). 2 submissions from 2 submitters: Uncertain significance (1). 1 of the submissions does not count toward it. Last evaluated 2025-08-04.

Conditions:
TIAM1-related disorder. Also called: TIAM1-related condition.

Allele frequency attached by ClinVar (database versions not stated): gnomAD 0.00023; TOPMed 0.00026; ExAC 0.00027; gnomAD exomes 0.00045; ESP Exome Variant Server 0.00062.
gnomAD v4.1: 682 of 1,614,018 alleles (0.042%); highest among the groups gnomAD compares: Non-Finnish European, 0.055%; no homozygotes.

Submissions (2):

Ambry Genetics
Classification: Uncertain significance. Last evaluated: 2025-08-04. Review status: criteria provided, single submitter. Criteria: Ambry Variant Classification Scheme 2023. Collection method: clinical testing. Allele origin: germline.

PreventionGenetics, part of Exact Sciences
Classification: Uncertain significance for TIAM1-related condition. Last evaluated: 2024-06-19. Review status: no assertion criteria provided. Collection method: clinical testing. Allele origin: germline. Not counted in ClinVar's aggregate classification.
Comment: The TIAM1 c.488C>T variant is predicted to result in the amino acid substitution p.Ala163Val. To our knowledge, this variant has not been reported in the literature. This variant is reported in 0.044% of alleles in individuals of European (Non-Finnish) descent in gnomAD. At this time, the clinical significance of this variant is uncertain due to the absence of conclusive functional and genetic evidence.